The following is an entry in ClinVar:

ClinVar aggregate classification (germline): Uncertain significance. Review status: criteria provided, single submitter (1 of 4 stars). 2 submissions from 2 submitters: Uncertain significance (1). 1 of the submissions does not count toward it. Last evaluated 2022-07-06.

Conditions:
Usher syndrome type 2A. Also called: RETINAL DISEASE IN USHER SYNDROME TYPE IIA, MODIFIER OF; USHER SYNDROME, TYPE IIA. Identifiers: Orphanet 231178, Orphanet 886, MedGen C1848634, MONDO:0010169, OMIM 276901.

Allele frequency attached by ClinVar (database versions not stated): ExAC 0.00001; gnomAD 0.00001; TOPMed 0.00001.
gnomAD v4.1: 3 of 1,613,324 alleles (0.00019%); highest among the groups gnomAD compares: African/African-American, 0.0027%; no homozygotes.

Submissions (2):

Labcorp Genetics (formerly Invitae), Labcorp
Classification: Uncertain significance. Last evaluated: 2022-07-06. Review status: criteria provided, single submitter. Criteria: Invitae Variant Classification Sherloc (09022015). Collection method: clinical testing. Allele origin: germline.
Comment: This sequence change replaces histidine, which is basic and polar, with arginine, which is basic and polar, at codon 2203 of the USH2A protein (p.His2203Arg). This variant is present in population databases (rs775466300, gnomAD 0.004%). This variant has not been reported in the literature in individuals affected with USH2A-related conditions. Algorithms developed to predict the effect of missense changes on protein structure and function (SIFT, PolyPhen-2, Align-GVGD) all suggest that this variant is likely to be tolerated. Algorithms developed to predict the effect of sequence changes on RNA splicing suggest that this variant may create or strengthen a splice site. In summary, the available evidence is currently insufficient to determine the role of this variant in disease. Therefore, it has been classified as a Variant of Uncertain Significance.

Natera, Inc.
Classification: Uncertain significance for Usher syndrome type 2A. Last evaluated: 2025-01-20. Review status: no assertion criteria provided. Collection method: clinical testing. Allele origin: germline. Not counted in ClinVar's aggregate classification.

NM_206933.4(USH2A):c.6608A>G (p.His2203Arg)

Gene: USH2A (usherin; minus strand). Cytogenetic location: 1q41.
Variant type: single nucleotide variant.
Coding change: c.6608A>G on transcript NM_206933.4 (MANE Select); coding-DNA position 6608, A replaced by G.
Protein change: p.His2203Arg; replaces histidine 2203 with arginine.
Molecular consequence: missense variant.
Genome position (GRCh38, 1-based): chr1:215,998,936, T>C on the plus strand (A>G on the coding strand, the complement: USH2A is on the minus strand). VCF-style: chr1-215998936-T-C. GRCh37 (hg19) VCF-style: chr1-216172278-T-C.
Other names: c.6608A>G (NM_206933.2); short protein forms H2203R.
Identifiers: ClinVar variation 1972341 (VCV001972341.6), dbSNP rs775466300, ClinGen allele CA1395095.